The following is an entry in ClinVar:

ClinVar aggregate classification (germline): Uncertain significance (1 of 4 stars; one submission).

Conditions:
Klippel-Feil syndrome 1, autosomal dominant (KFS1). Also called: CERVICAL VERTEBRAL FUSION, AUTOSOMAL DOMINANT. Identifiers: Orphanet 2345, MedGen C1861689, MONDO:0007306, OMIM 118100.
Leber congenital amaurosis 17 (LCA17). Identifiers: Orphanet 65, MedGen C3715164, MONDO:0014145, OMIM 615360.
Isolated microphthalmia 4. Identifiers: Orphanet 2542, MedGen C2751307, MONDO:0013130, OMIM 613094.
Microphthalmia, isolated, with coloboma 6 (MCOPCB6). Also called: MICROPHTHALMIA/COLOBOMA 6; Microphthalmia with coloboma 6, digenic; Microphthalmia with coloboma 6. Identifiers: Orphanet 98938, MedGen C3150968, MONDO:0013376, OMIM 613703.

Allele frequency attached by ClinVar (database versions not stated): gnomAD exomes below 0.00001.
gnomAD v4.1: 2 of 1,613,242 alleles (0.00012%); highest among the groups gnomAD compares: East Asian, 0.0022%; no homozygotes.

Submission:

Labcorp Genetics (formerly Invitae), Labcorp
Classification: Uncertain significance for Isolated microphthalmia 4; Leber congenital amaurosis 17; Klippel-Feil syndrome 1, autosomal dominant; Microphthalmia, isolated, with coloboma 6. Last evaluated: 2023-11-27. Review status: criteria provided, single submitter. Criteria: Invitae Variant Classification Sherloc (09022015). Collection method: clinical testing. Allele origin: germline.
Comment: This sequence change replaces arginine, which is basic and polar, with glutamine, which is neutral and polar, at codon 76 of the GDF6 protein (p.Arg76Gln). This variant is present in population databases (no rsID available, gnomAD 0.006%). This variant has not been reported in the literature in individuals affected with GDF6-related conditions. ClinVar contains an entry for this variant (Variation ID: 2003905). Advanced modeling of protein sequence and biophysical properties (such as structural, functional, and spatial information, amino acid conservation, physicochemical variation, residue mobility, and thermodynamic stability) performed at Invitae indicates that this missense variant is not expected to disrupt GDF6 protein function with a negative predictive value of 80%. In summary, the available evidence is currently insufficient to determine the role of this variant in disease. Therefore, it has been classified as a Variant of Uncertain Significance.

NM_001001557.4(GDF6):c.227G>A (p.Arg76Gln)

Gene: GDF6 (growth differentiation factor 6; minus strand). Cytogenetic location: 8q22.1.
Variant type: single nucleotide variant.
Coding change: c.227G>A on transcript NM_001001557.4 (MANE Select); coding-DNA position 227, G replaced by A.
Protein change: p.Arg76Gln; replaces arginine 76 with glutamine.
Molecular consequence: missense variant.
Genome position (GRCh38, 1-based): chr8:96,160,466, C>T on the plus strand (G>A on the coding strand, the complement: GDF6 is on the minus strand). VCF-style: chr8-96160466-C-T. GRCh37 (hg19) VCF-style: chr8-97172694-C-T.
Other names: short protein forms R76Q.
Identifiers: ClinVar variation 2003905 (VCV002003905.4), dbSNP rs1181314194, ClinGen allele CA371753687.